The following is an entry in ClinVar:

NM_201384.3(PLEC):c.5633G>A (p.Arg1878Gln)

Gene: PLEC (plectin; minus strand). Cytogenetic location: 8q24.3.
Variant type: single nucleotide variant.
Coding change: c.5633G>A on transcript NM_201384.3 (MANE Select); coding-DNA position 5633, G replaced by A.
Protein change: p.Arg1878Gln; replaces arginine 1878 with glutamine.
Molecular consequence: missense variant.
Genome position (GRCh38, 1-based): chr8:143,924,296, C>T on the plus strand (G>A on the coding strand, the complement: PLEC is on the minus strand). VCF-style: chr8-143924296-C-T. GRCh37 (hg19) VCF-style: chr8-144998464-C-T.
Other names: c.5714G>A, p.Arg1905Gln (NM_000445.5); c.5591G>A, p.Arg1864Gln (NM_201378.4); c.5567G>A, p.Arg1856Gln (NM_201379.3); c.6044G>A, p.Arg2015Gln (NM_201380.4); c.5537G>A, p.Arg1846Gln (NM_201381.3); c.5633G>A, p.Arg1878Gln (NM_201382.4); c.5645G>A, p.Arg1882Gln (NM_201383.3); short protein forms R1856Q, R1864Q, R1882Q, R1878Q, R1905Q, R2015Q, R1846Q.
Identifiers: ClinVar variation 282724 (VCV000282724.22), dbSNP rs373617951, ClinGen allele CA4926289.

ClinVar aggregate classification (germline): Conflicting classifications of pathogenicity. Review status: criteria provided, conflicting classifications (1 of 4 stars). 8 submissions from 8 submitters: Uncertain significance (7); Likely benign (1). Last evaluated 2026-01-27.

Conditions:
PLEC-related disorder. Also called: PLEC-related disorders; PLEC-related condition.
Epidermolysis bullosa simplex with nail dystrophy (EBS5D). Identifiers: MedGen C4225309, MONDO:0014661, OMIM 616487.
Autosomal recessive limb-girdle muscular dystrophy type 2Q (LGMDR17). Also called: MUSCULAR DYSTROPHY, LIMB-GIRDLE, AUTOSOMAL RECESSIVE 17. Identifiers: Orphanet 254361, MedGen C3150989, MONDO:0013390, OMIM 613723.
Epidermolysis bullosa simplex 5C, with pyloric atresia (EBS5C). Also called: PLEC-Related Epidermolysis Bullosa with Pyloric Atresia; Epidermolysis bullosa simplex with pyloric atresia; PLEC1-Related Epidermolysis Bullosa with Pyloric Atresia. Identifiers: Orphanet 158684, MedGen C2677349, MONDO:0012807, OMIM 612138.
Epidermolysis bullosa simplex 5B, with muscular dystrophy (EBS5B). Also called: EPIDERMOLYSIS BULLOSA SIMPLEX AND LIMB-GIRDLE MUSCULAR DYSTROPHY; Epidermolysis bullosa simplex with muscular dystrophy. Identifiers: Orphanet 257, MedGen C2931072, MONDO:0009181, OMIM 226670.
Epidermolysis bullosa simplex, Ogna type (EBS5A). Also called: Pidermolysis bullosa simplex 5A, Ogna type; EPIDERMOLYSIS BULLOSA SIMPLEX 5A, OGNA TYPE. Identifiers: Orphanet 79401, MedGen C0432317, MONDO:0007555, OMIM 131950.
Inborn genetic diseases. Identifiers: MedGen C0950123, MeSH D030342.

Allele frequency attached by ClinVar (database versions not stated): gnomAD 0.00019 and 0.00025; TOPMed 0.00022; ESP Exome Variant Server 0.00027; 1000 Genomes Project 30x 0.00031; ExAC 0.00032; gnomAD exomes 0.00036; 1000 Genomes Project 0.00040.
gnomAD v4.1: 292 of 1,594,982 alleles (0.018%); highest among the groups gnomAD compares: South Asian, 0.13%; 1 homozygote.

Submissions (8):

Labcorp Genetics (formerly Invitae), Labcorp
Classification: Uncertain significance for Autosomal recessive limb-girdle muscular dystrophy type 2Q; Epidermolysis bullosa simplex, Ogna type; Epidermolysis bullosa simplex with nail dystrophy; Epidermolysis bullosa simplex 5C, with pyloric atresia; Epidermolysis bullosa simplex 5B, with muscular dystrophy. Last evaluated: 2026-01-27. Review status: criteria provided, single submitter. Criteria: Invitae Variant Classification Sherloc (09022015). Collection method: clinical testing. Allele origin: germline.
Comment: This sequence change replaces arginine, which is basic and polar, with glutamine, which is neutral and polar, at codon 1905 of the PLEC protein (p.Arg1905Gln). This variant is present in population databases (rs373617951, gnomAD 0.1%). This variant has not been reported in the literature in individuals affected with PLEC-related conditions. ClinVar contains an entry for this variant (Variation ID: 282724). Experimental studies and prediction algorithms are not available or were not evaluated, and the functional significance of this variant is currently unknown. In summary, the available evidence is currently insufficient to determine the role of this variant in disease. Therefore, it has been classified as a Variant of Uncertain Significance.

PreventionGenetics, part of Exact Sciences
Classification: Uncertain significance for PLEC-related condition. Last evaluated: 2026-01-08. Review status: criteria provided, single submitter. Criteria: ACMG Guidelines, 2015. Collection method: clinical testing. Allele origin: germline.
Comment: The PLEC c.5714G>A variant is predicted to result in the amino acid substitution p.Arg1905Gln. To our knowledge, this variant has not been reported in the literature in individuals with PLEC-related disorders. This variant is reported in 0.12% of alleles in individuals of South Asian descent in gnomAD, which may be too common to be a primary cause of disease. Although we suspect that this variant may be benign, at this time, the clinical significance of this variant is uncertain due to the absence of conclusive functional and genetic evidence.

Women's Health and Genetics/Laboratory Corporation of America, LabCorp
Classification: Uncertain significance. Last evaluated: 2025-06-19. Review status: criteria provided, single submitter. Criteria: LabCorp Variant Classification Summary - May 2015. Collection method: clinical testing. Allele origin: germline.
Comment: Variant summary: PLEC c.5714G>A (p.Arg1905Gln) results in a conservative amino acid change in the encoded protein sequence. Algorithms developed to predict the effect of missense changes on protein structure and function are either unavailable or do not agree on the potential impact of this missense change. The variant allele was found at a frequency of 0.00036 in 215908 control chromosomes. This frequency is not significantly higher than estimated for a pathogenic variant in PLEC causing Epidermolysis bullosa simplex 5C, with pyloric atresia (0.00036 vs 0.0061), allowing no conclusion about variant significance. To our knowledge, no occurrence of c.5714G>A in individuals affected with Epidermolysis bullosa simplex 5C, with pyloric atresia and no experimental evidence demonstrating its impact on protein function have been reported. ClinVar contains an entry for this variant (Variation ID: 282724). Based on the evidence outlined above, the variant was classified as uncertain significance.

Ambry Genetics
Classification: Uncertain significance for Inborn genetic diseases. Last evaluated: 2024-08-19. Review status: criteria provided, single submitter. Criteria: Ambry Variant Classification Scheme 2023. Collection method: clinical testing. Allele origin: germline.

Revvity Omics, Revvity
Classification: Uncertain significance. Last evaluated: 2023-01-23. Review status: criteria provided, single submitter. Criteria: ACMG Guidelines, 2015. Collection method: clinical testing. Allele origin: germline.

GeneDx
Classification: Likely benign. Last evaluated: 2021-05-25. Review status: criteria provided, single submitter. Criteria: GeneDx Variant Classification Process June 2021. Collection method: clinical testing. Allele origin: germline. Affected: yes.

CeGaT Center for Human Genetics Tuebingen
Classification: Uncertain significance. Last evaluated: 2016-07-31. Review status: criteria provided, single submitter. Criteria: Praxis fuer Humangenetik Tuebingen - Variant Classification Criteria. Collection method: clinical testing. Allele origin: germline. Affected: yes. Observed: 1 variant allele.

Eurofins Ntd Llc (ga)
Classification: Uncertain significance. Last evaluated: 2015-08-27. Review status: criteria provided, single submitter. Criteria: EGL Classification Definitions 2015. Collection method: clinical testing. Allele origin: germline. Observed: 4 variant alleles, 4 heterozygotes.